The following is an entry in ClinVar:

ClinVar aggregate classification (germline): Benign (1 of 4 stars; one submission).

Conditions:
Metachromatic leukodystrophy (MLD). Also called: ARSA DEFICIENCY; CEREBROSIDE SULFATASE DEFICIENCY; METACHROMATIC LEUKOENCEPHALOPATHY; SULFATIDE LIPIDOSIS; Cerebral sclerosis diffuse metachromatic form; Arylsulfatase A Deficiency. Identifiers: Orphanet 512, MedGen C0023522, MONDO:0018868, OMIM 250100.

Allele frequency attached by ClinVar (database versions not stated): 1000 Genomes Project 30x 0.34931; 1000 Genomes Project 0.35104; TOPMed 0.40073; gnomAD 0.41248 and 0.41670.
gnomAD v4.1: 62,828 of 151,922 alleles (41%); highest among the groups gnomAD compares: Non-Finnish European, 48%; 13,572 homozygotes.

Submission:

Illumina Laboratory Services, Illumina
Classification: Benign for Metachromatic leukodystrophy. Last evaluated: 2018-01-12. Review status: criteria provided, single submitter. Criteria: ICSL Variant Classification Criteria 13 December 2019. Collection method: clinical testing. Allele origin: germline.
Comment: This variant was observed in the ICSL laboratory as part of a predisposition screen in an ostensibly healthy population. It had not been previously curated by ICSL or reported in the Human Gene Mutation Database (HGMD: prior to June 1st, 2018), and was therefore a candidate for classification through an automated scoring system. Utilizing variant allele frequency, disease prevalence and penetrance estimates, and inheritance mode, an automated score was calculated to assess if this variant is too frequent to cause the disease. Based on the score and internal cut-off values, a variant classified as benign is not then subjected to further curation. The score for this variant resulted in a classification of benign for this disease.

NM_000487.6(ARSA):c.*682G>C

Gene: ARSA (arylsulfatase A; minus strand). Cytogenetic location: 22q13.33.
Variant type: single nucleotide variant.
Coding change: c.*682G>C on transcript NM_000487.6 (MANE Select); 682 bases downstream of the stop codon, G replaced by C.
Molecular consequence: 3 prime UTR variant.
Genome position (GRCh38, 1-based): chr22:50,624,463, C>G on the plus strand (G>C on the coding strand, the complement: ARSA is on the minus strand). VCF-style: chr22-50624463-C-G. GRCh37 (hg19) VCF-style: chr22-51062891-C-G.
Other names: c.*682G>C (NM_001362782.2, NM_001085425.3, NM_001085426.3 and 2 more transcripts).
Identifiers: ClinVar variation 342221 (VCV000342221.5), dbSNP rs7288338, ClinGen allele CA10651561.